The following is an entry in ClinVar:

NM_004369.4(COL6A3):c.3768G>C (p.Glu1256Asp)

Gene: COL6A3 (collagen type VI alpha 3 chain; minus strand). Cytogenetic location: 2q37.3.
Variant type: single nucleotide variant.
Coding change: c.3768G>C on transcript NM_004369.4 (MANE Select); coding-DNA position 3768, G replaced by C.
Protein change: p.Glu1256Asp; replaces glutamic acid 1256 with aspartic acid.
Molecular consequence: missense variant.
Genome position (GRCh38, 1-based): chr2:237,372,249, C>G on the plus strand (G>C on the coding strand, the complement: COL6A3 is on the minus strand). VCF-style: chr2-237372249-C-G. GRCh37 (hg19) VCF-style: chr2-238280892-C-G.
Other names: c.2547G>C, p.Glu849Asp (NM_057164.5); c.3150G>C, p.Glu1050Asp (NM_057165.5, NM_057167.4); c.1947G>C, p.Glu649Asp (NM_057166.5); short protein forms E849D, E1256D, E1050D, E649D.
Identifiers: ClinVar variation 2841788 (VCV002841788.3), dbSNP rs2469897875, ClinGen allele CA351199371.

ClinVar aggregate classification (germline): Uncertain significance (1 of 4 stars; one submission).

Conditions:
Bethlem myopathy 1A. Also called: Bethlem myopathy 1; MYOPATHY, BENIGN CONGENITAL, WITH CONTRACTURES; Bethlem Muscular Dystrophy. Identifiers: Orphanet 610, MedGen CN029274, MONDO:0024530, OMIM 158810.

Allele frequency attached by ClinVar (database versions not stated): gnomAD exomes below 0.00001.
gnomAD v4.1: 1 of 1,614,030 alleles (0.000062%); highest among the groups gnomAD compares: Non-Finnish European, 0.000085%; no homozygotes.

Submission:

Labcorp Genetics (formerly Invitae), Labcorp
Classification: Uncertain significance for Bethlem myopathy 1A. Last evaluated: 2023-03-24. Review status: criteria provided, single submitter. Criteria: Invitae Variant Classification Sherloc (09022015). Collection method: clinical testing. Allele origin: germline.
Comment: This sequence change replaces glutamic acid, which is acidic and polar, with aspartic acid, which is acidic and polar, at codon 1256 of the COL6A3 protein (p.Glu1256Asp). This variant is not present in population databases (gnomAD no frequency). This variant has not been reported in the literature in individuals affected with COL6A3-related conditions. Advanced modeling of protein sequence and biophysical properties (such as structural, functional, and spatial information, amino acid conservation, physicochemical variation, residue mobility, and thermodynamic stability) performed at Invitae indicates that this missense variant is not expected to disrupt COL6A3 protein function. In summary, the available evidence is currently insufficient to determine the role of this variant in disease. Therefore, it has been classified as a Variant of Uncertain Significance.